The following is an entry in ClinVar:

NM_001943.5(DSG2):c.1621G>A (p.Ala541Thr)

Gene: DSG2 (desmoglein 2; plus strand). Cytogenetic location: 18q12.1.
Variant type: single nucleotide variant.
Coding change: c.1621G>A on transcript NM_001943.5 (MANE Select); coding-DNA position 1621, G replaced by A.
Protein change: p.Ala541Thr; replaces alanine 541 with threonine.
Molecular consequence: missense variant.
Genome position (GRCh38, 1-based): chr18:31,536,399, G>A. VCF-style: chr18-31536399-G-A. GRCh37 (hg19) VCF-style: chr18-29116362-G-A.
Other names: short protein forms A541T.
Identifiers: ClinVar variation 2775227 (VCV002775227.2), dbSNP rs1391863468, ClinGen allele CA402142108.

ClinVar aggregate classification (germline): Uncertain significance (1 of 4 stars; one submission).

Conditions:
Cardiomyopathy (CMYO). Also called: Cardiomyopathies. Identifiers: Orphanet 167848, MedGen C0878544, MONDO:0004994, HP:0001638. Inheritance: Various modes of inheritance.

Allele frequency attached by ClinVar (database versions not stated): gnomAD exomes below 0.00001.
gnomAD v4.1: 1 of 1,613,990 alleles (0.000062%); highest among the groups gnomAD compares: East Asian, 0.0022%; no homozygotes.

Submission:

Color Diagnostics, LLC DBA Color Health
Classification: Uncertain significance for Cardiomyopathy. Last evaluated: 2024-03-06. Review status: criteria provided, single submitter. Criteria: ACMG Guidelines, 2015. Collection method: clinical testing. Allele origin: germline.
Comment: This missense variant replaces alanine with threonine at codon 541 of the DSG2 protein. Computational prediction suggests that this variant may not impact protein structure and function (internally defined REVEL score threshold <= 0.5, PMID: 27666373). To our knowledge, functional studies have not been reported for this variant. This variant has not been reported in individuals affected with cardiovascular disorders in the literature. This variant has been identified in 2/248962 chromosomes in the general population by the Genome Aggregation Database (gnomAD). The available evidence is insufficient to determine the role of this variant in disease conclusively. Therefore, this variant is classified as a Variant of Uncertain Significance.